The following is an entry in ClinVar:

ClinVar aggregate classification (germline): Uncertain significance (1 of 4 stars; one submission).

gnomAD v4.1: 1 of 1,609,374 alleles (0.000062%); highest among the groups gnomAD compares: Admixed American, 0.0017%; no homozygotes.

Submission:

Labcorp Genetics (formerly Invitae), Labcorp
Classification: Uncertain significance. Last evaluated: 2025-04-26. Review status: criteria provided, single submitter. Criteria: Invitae Variant Classification Sherloc (09022015). Collection method: clinical testing. Allele origin: germline.
Comment: This sequence change replaces threonine, which is neutral and polar, with serine, which is neutral and polar, at codon 1341 of the DSCAML1 protein (p.Thr1341Ser). This variant is present in population databases (no rsID available, gnomAD 0.003%). This variant has not been reported in the literature in individuals affected with DSCAML1-related conditions. An algorithm developed to predict the effect of missense changes on protein structure and function (PolyPhen-2) suggests that this variant is likely to be tolerated. In summary, the available evidence is currently insufficient to determine the role of this variant in disease. Therefore, it has been classified as a Variant of Uncertain Significance.

NM_020693.4(DSCAML1):c.3841A>T (p.Thr1281Ser)

Gene: DSCAML1 (DS cell adhesion molecule like 1; minus strand). Cytogenetic location: 11q23.3.
Variant type: single nucleotide variant.
Coding change: c.3841A>T on transcript NM_020693.4 (MANE Select); coding-DNA position 3841, A replaced by T.
Protein change: p.Thr1281Ser; replaces threonine 1281 with serine.
Molecular consequence: missense variant.
Genome position (GRCh38, 1-based): chr11:117,443,907, T>A on the plus strand (A>T on the coding strand, the complement: DSCAML1 is on the minus strand). VCF-style: chr11-117443907-T-A. GRCh37 (hg19) VCF-style: chr11-117314623-T-A.
Other names: short protein forms T1281S.
Identifiers: ClinVar variation 4698481 (VCV004698481.1).